The following is an entry in ClinVar:

NM_001130965.3(SUN1):c.257G>A (p.Arg86Gln)

Gene: SUN1 (Sad1 and UNC84 domain containing 1; plus strand). Cytogenetic location: 7p22.3.
Variant type: single nucleotide variant.
Coding change: c.257G>A on transcript NM_001130965.3 (MANE Select); coding-DNA position 257, G replaced by A.
Protein change: p.Arg86Gln; replaces arginine 86 with glutamine.
Molecular consequence: missense variant. On other transcripts: 5 prime UTR variant (2), non-coding transcript variant (3), intron variant (2).
Genome position (GRCh38, 1-based): chr7:838,977, G>A. VCF-style: chr7-838977-G-A. GRCh37 (hg19) VCF-style: chr7-878614-G-A.
Other names: c.257G>A, p.Arg86Gln (NM_001171944.2, NM_001171946.2, NM_001367633.1 and 34 more transcripts); c.320G>A, p.Arg107Gln (NM_001171945.2); c.-201G>A (NM_001367635.1); c.107G>A, p.Arg36Gln (NM_001367636.1, NM_001367637.1, NM_001367644.1 and 24 more transcripts); c.476G>A, p.Arg159Gln (NM_001367651.1); c.-505G>A (NM_001367658.1); c.78-2969G>A (NM_001367695.1); c.-301-2969G>A (NM_001367639.1); short protein forms R107Q, R36Q, R159Q, R86Q.
Identifiers: ClinVar variation 1364476 (VCV001364476.6), dbSNP rs375668872, ClinGen allele CA4111428.

ClinVar aggregate classification (germline): Uncertain significance (1 of 4 stars; one submission).

Conditions:
Emery-Dreifuss muscular dystrophy (EDMD). Also called: Scapuloperoneal syndrome, X-linked (formerly); Humeroperoneal neuromuscular disease, (formerly). Identifiers: Orphanet 261, MedGen C0410189, MONDO:0016830.

gnomAD v4.1: 14 of 1,584,852 alleles (0.00088%); highest among the groups gnomAD compares: East Asian, 0.0068%; no homozygotes.

Submission:

Labcorp Genetics (formerly Invitae), Labcorp
Classification: Uncertain significance for Emery-Dreifuss muscular dystrophy. Last evaluated: 2024-08-19. Review status: criteria provided, single submitter. Criteria: Invitae Variant Classification Sherloc (09022015). Collection method: clinical testing. Allele origin: germline.
Comment: This sequence change replaces arginine, which is basic and polar, with glutamine, which is neutral and polar, at codon 86 of the SUN1 protein (p.Arg86Gln). The frequency data for this variant in the population databases is considered unreliable, as metrics indicate poor data quality at this position in the gnomAD database. This variant has not been reported in the literature in individuals affected with SUN1-related conditions. ClinVar contains an entry for this variant (Variation ID: 1364476). An algorithm developed to predict the effect of missense changes on protein structure and function (PolyPhen-2) suggests that this variant is likely to be tolerated. In summary, the available evidence is currently insufficient to determine the role of this variant in disease. Therefore, it has been classified as a Variant of Uncertain Significance.